The following is an entry in ClinVar:

NM_005412.6(SHMT2):c.1324C>T (p.Arg442Trp)

Gene: SHMT2 (serine hydroxymethyltransferase 2; plus strand). Cytogenetic location: 12q13.3.
Variant type: single nucleotide variant.
Coding change: c.1324C>T on transcript NM_005412.6 (MANE Select); coding-DNA position 1324, C replaced by T.
Protein change: p.Arg442Trp; replaces arginine 442 with tryptophan.
Molecular consequence: missense variant. On other transcripts: non-coding transcript variant (4).
Genome position (GRCh38, 1-based): chr12:57,234,047, C>T. VCF-style: chr12-57234047-C-T. GRCh37 (hg19) VCF-style: chr12-57627830-C-T.
Other names: c.1294C>T, p.Arg432Trp (NM_001166356.2); c.1261C>T, p.Arg421Trp (NM_001166357.1, NM_001166358.2, NM_001166359.1); short protein forms R432W, R421W, R442W.
Identifiers: ClinVar variation 2371292 (VCV002371292.4), dbSNP rs143597171, ClinGen allele CA6646643.

ClinVar aggregate classification (germline): Uncertain significance. Review status: criteria provided, multiple submitters, no conflicts (2 of 4 stars). 2 submissions from 2 submitters: Uncertain significance (2). Last evaluated 2025-01-29.

Conditions:
Inborn genetic diseases. Identifiers: MedGen C0950123, MeSH D030342.

Allele frequency attached by ClinVar (database versions not stated): ExAC 0.00002; gnomAD exomes 0.00002; gnomAD 0.00013; TOPMed 0.00016; ESP Exome Variant Server 0.00023.
gnomAD v4.1: 56 of 1,614,048 alleles (0.0035%); highest among the groups gnomAD compares: African/African-American, 0.037%; no homozygotes.

Submissions (2):

Ambry Genetics
Classification: Uncertain significance for Inborn genetic diseases. Last evaluated: 2025-01-29. Review status: criteria provided, single submitter. Criteria: Ambry Variant Classification Scheme 2023. Collection method: clinical testing. Allele origin: germline.

GeneDx
Classification: Uncertain significance. Last evaluated: 2022-11-22. Review status: criteria provided, single submitter. Criteria: GeneDx Variant Classification Process June 2021. Collection method: clinical testing. Allele origin: germline. Affected: yes.
Comment: In silico analysis supports that this missense variant has a deleterious effect on protein structure/function; Has not been previously published as pathogenic or benign to our knowledge